The following is an entry in ClinVar:

ClinVar aggregate classification (germline): Benign (0 of 4 stars; one submission).

Conditions:
ADAMTS3-related disorder. Also called: ADAMTS3-related condition.

Allele frequency attached by ClinVar (database versions not stated): TOPMed 0.00006; gnomAD 0.00040; gnomAD exomes 0.00075; ExAC 0.00168; 1000 Genomes Project 0.00200; 1000 Genomes Project 30x 0.00219.
gnomAD v4.1: 1,143 of 1,613,986 alleles (0.071%); highest among the groups gnomAD compares: South Asian, 1.2%; 21 homozygotes.

Submission:

PreventionGenetics, part of Exact Sciences
Classification: Benign for ADAMTS3-related condition. Last evaluated: 2019-05-21. Review status: no assertion criteria provided. Collection method: clinical testing. Allele origin: germline.
Comment: This variant is classified as benign based on ACMG/AMP sequence variant interpretation guidelines (Richards et al. 2015 PMID: 25741868, with internal and published modifications).

NM_014243.3(ADAMTS3):c.331C>T (p.His111Tyr)

Gene: ADAMTS3 (ADAM metallopeptidase with thrombospondin type 1 motif 3; minus strand). Cytogenetic location: 4q13.3.
Variant type: single nucleotide variant.
Coding change: c.331C>T on transcript NM_014243.3 (MANE Select); coding-DNA position 331, C replaced by T.
Protein change: p.His111Tyr; replaces histidine 111 with tyrosine.
Molecular consequence: missense variant.
Genome position (GRCh38, 1-based): chr4:72,548,651, G>A on the plus strand (C>T on the coding strand, the complement: ADAMTS3 is on the minus strand). VCF-style: chr4-72548651-G-A. GRCh37 (hg19) VCF-style: chr4-73414368-G-A.
Other names: short protein forms H111Y.
Identifiers: ClinVar variation 3039570 (VCV003039570.2), dbSNP rs558987647, ClinGen allele CA2957274.
Genomic context (GRCh38, chr4:72,548,651, plus strand): 5'-TTCCTGGTTGATGGTTGTTAATGGGATCGGTTATATTCCCAGGCACCAGAGATGTCTCAT[G>A]CCACTCCACAACAGCCCCAGGAGCTACTAGTTGAGTGTTGGGCTTTAGTCGCAGATGAAA-3'
Protein context (NP_055058.2, residues 101-121): LVAPGAVVEW[His111Tyr]ETSLVPGNIT